The following is an entry in ClinVar:

NM_000553.6(WRN):c.3122G>C (p.Cys1041Ser)

Gene: WRN (WRN RecQ like helicase; plus strand). Cytogenetic location: 8p12.
Variant type: single nucleotide variant.
Coding change: c.3122G>C on transcript NM_000553.6 (MANE Select); coding-DNA position 3122, G replaced by C.
Protein change: p.Cys1041Ser; replaces cysteine 1041 with serine.
Molecular consequence: missense variant.
Genome position (GRCh38, 1-based): chr8:31,141,584, G>C. VCF-style: chr8-31141584-G-C. GRCh37 (hg19) VCF-style: chr8-30999100-G-C.
Other names: short protein forms C1041S.
Identifiers: ClinVar variation 2744691 (VCV002744691.3), dbSNP rs1802635322, ClinGen allele CA370922553.
Genomic context (GRCh38, chr8:31,141,584, plus strand): 5'-AGCTGATCACTGAGGGATTCTTGGTAGAAGTTTCTCGGTATAACAAATTTATGAAGATTT[G>C]CGCCCTTACGAAAAAGGTAAACGGTGTAGGAGTCTGCCTGTTTGACTTAATTTTGTTTCC-3'
Protein context (NP_000544.2, residues 1031-1051): VSRYNKFMKI[Cys1041Ser]ALTKKGRNWL

ClinVar aggregate classification (germline): Uncertain significance (1 of 4 stars; one submission).

Conditions:
Werner syndrome (WRN). Identifiers: Orphanet 902, MedGen C0043119, MONDO:0010196, OMIM 277700.

Allele frequency attached by ClinVar (database versions not stated): gnomAD exomes below 0.00001.
gnomAD v4.1: 1 of 1,614,030 alleles (0.000062%); highest among the groups gnomAD compares: East Asian, 0.0022%; no homozygotes.

Submission:

Labcorp Genetics (formerly Invitae), Labcorp
Classification: Uncertain significance for Werner syndrome. Last evaluated: 2023-07-18. Review status: criteria provided, single submitter. Criteria: Invitae Variant Classification Sherloc (09022015). Collection method: clinical testing. Allele origin: germline.
Comment: In summary, the available evidence is currently insufficient to determine the role of this variant in disease. Therefore, it has been classified as a Variant of Uncertain Significance. An algorithm developed to predict the effect of missense changes on protein structure and function (PolyPhen-2) suggests that this variant is likely to be disruptive. This variant has not been reported in the literature in individuals affected with WRN-related conditions. This variant is not present in population databases (gnomAD no frequency). This sequence change replaces cysteine, which is neutral and slightly polar, with serine, which is neutral and polar, at codon 1041 of the WRN protein (p.Cys1041Ser).